The following is an entry in ClinVar:

NM_001126108.2(SLC12A3):c.447C>G (p.Asn149Lys)

Gene: SLC12A3 (solute carrier family 12 member 3; plus strand). Cytogenetic location: 16q13.
Variant type: single nucleotide variant.
Coding change: c.447C>G on transcript NM_001126108.2 (MANE Select); coding-DNA position 447, C replaced by G.
Protein change: p.Asn149Lys; replaces asparagine 149 with lysine.
Molecular consequence: missense variant.
Genome position (GRCh38, 1-based): chr16:56,868,314, C>G. VCF-style: chr16-56868314-C-G. GRCh37 (hg19) VCF-style: chr16-56902226-C-G.
Other names: c.444C>G, p.Asn148Lys (NM_001126107.2, NM_001410896.1); c.447C>G, p.Asn149Lys (NM_000339.3); short protein forms N148K, N149K.
Identifiers: ClinVar variation 3068357 (VCV003068357.3), dbSNP rs756323602, ClinGen allele CA395979439.

ClinVar aggregate classification (germline): Conflicting classifications of pathogenicity. Review status: criteria provided, conflicting classifications (1 of 4 stars). 3 submissions from 3 submitters: Likely pathogenic (1); Uncertain significance (2). Last evaluated 2026-08-10.

Conditions:
Renal tubulopathies.
Familial hypokalemia-hypomagnesemia (GTLMNS). Also called: HYPOMAGNESEMIA-HYPOKALEMIA, PRIMARY RENOTUBULAR, WITH HYPOCALCIURIA; POTASSIUM AND MAGNESIUM DEPLETION; gitelman syndrome. Identifiers: Orphanet 358, MedGen C0268450, MONDO:0009904, OMIM 263800.

gnomAD v4.1: 9 of 1,613,950 alleles (0.00056%); highest among the groups gnomAD compares: Non-Finnish European, 0.00068%; no homozygotes.

Submissions (3):

Genetics Laboratory, Great Ormond Street Hospital NHS Foundation Trust, North Thames Genomic Laboratory Hub
Classification: Likely pathogenic for Renal tubulopathies. Last evaluated: 2026-08-10. Review status: criteria provided, single submitter. Criteria: ACGS Best Practice Guidelines for Variant Classification in Rare Disease 2024 v1.2. Collection method: clinical testing. Allele origin: germline. Affected: yes.
Comment: PM2_moderate, PP3_supporting, PM3_strong, PP4_supporting

Fulgent Genetics
Classification: Uncertain significance for Familial hypokalemia-hypomagnesemia. Last evaluated: 2024-04-01. Review status: criteria provided, single submitter. Criteria: ACMG Guidelines, 2015. Collection method: clinical testing. Allele origin: germline.

MVZ Medizinische Genetik Mainz
Classification: Uncertain significance for Familial hypokalemia-hypomagnesemia. Last evaluated: 2024-01-08. Review status: criteria provided, single submitter. Criteria: UK Practice Guidelines For Variant Classification V4 01 2020. Collection method: clinical testing. Allele origin: germline. Inheritance: Autosomal recessive inheritance. Affected: yes. Observed: 1 variant allele.
Comment: ACMG Criteria: PP3_MOD,PM2_SUP,PP4